The following is an entry in ClinVar:

ClinVar aggregate classification (germline): Uncertain significance (1 of 4 stars; one submission).

Conditions:
Bloom syndrome (BLM). Also called: Bloom-Torre-Machacek syndrome. Identifiers: Orphanet 125, MedGen C0005859, MONDO:0008876, OMIM 210900.

Allele frequency attached by ClinVar (database versions not stated): gnomAD exomes below 0.00001.

Submission:

Labcorp Genetics (formerly Invitae), Labcorp
Classification: Uncertain significance for Bloom syndrome. Last evaluated: 2024-08-27. Review status: criteria provided, single submitter. Criteria: Invitae Variant Classification Sherloc (09022015). Collection method: clinical testing. Allele origin: germline.
Comment: This sequence change affects a splice site in intron 21 of the BLM gene. While this variant is not anticipated to result in nonsense mediated decay, it likely alters RNA splicing and results in a disrupted protein product. This variant is not present in population databases (gnomAD no frequency). This variant has not been reported in the literature in individuals affected with BLM-related conditions. ClinVar contains an entry for this variant (Variation ID: 2154596). Variants that disrupt the consensus splice site are a relatively common cause of aberrant splicing (PMID: 17576681, 9536098). Algorithms developed to predict the effect of sequence changes on RNA splicing suggest that this variant may disrupt the consensus splice site. In summary, the available evidence is currently insufficient to determine the role of this variant in disease. Therefore, it has been classified as a Variant of Uncertain Significance.

Literature cited by the submitters: PubMed 17576681; PubMed 9536098.

NM_000057.4(BLM):c.4077-2del

Gene: BLM (BLM RecQ like helicase; plus strand). Cytogenetic location: 15q26.1.
Variant type: Deletion.
Coding change: c.4077-2del on transcript NM_000057.4 (MANE Select); the canonical splice acceptor site of the intron before coding-DNA position 4077, one base deleted (A; older notation c.4077-2delA).
Molecular consequence: splice acceptor variant.
Genome position (GRCh38, 1-based): chr15:90,815,100, A deleted. VCF-style (leftmost placement, unchanged base first): chr15-90815099-CA-C. GRCh37 (hg19) VCF-style: chr15-91358329-CA-C.
Other names: c.4077-2del (NM_001287246.2); c.2952-2del (NM_001287248.2); c.3684-2del (NM_001287247.2).
Identifiers: ClinVar variation 2154596 (VCV002154596.4), dbSNP rs2505574975, ClinGen allele CA2580090303.
Genomic context (GRCh38, chr15:90,815,099, plus strand): 5'-GAGGAAGGTCATTCATTTTTGGTTTCATTTAACATTTTGATTTTTTTCTTTGTCACATTT[CA>C]GGGGGTCTGCCACATGTAGAAAGATATCTTCCAAAACGAAATCCTCCAGCATCATTGGAT-3'